The following is an entry in ClinVar:

NM_014236.4(GNPAT):c.1280-209T>C

Gene: GNPAT (glyceronephosphate O-acyltransferase; plus strand). Cytogenetic location: 1q42.2.
Variant type: single nucleotide variant.
Coding change: c.1280-209T>C on transcript NM_014236.4 (MANE Select); 209 bases into the intron before coding-DNA position 1280, T replaced by C.
Molecular consequence: intron variant.
Genome position (GRCh38, 1-based): chr1:231,270,549, T>C. VCF-style: chr1-231270549-T-C. GRCh37 (hg19) VCF-style: chr1-231406295-T-C.
Other names: c.1097-209T>C (NM_001316350.2).
Identifiers: ClinVar variation 671190 (VCV000671190.2), dbSNP rs3767758, ClinGen allele CA15075250.
Genomic context (GRCh38, chr1:231,270,549, plus strand): 5'-AAACTGATGTGCCTTTCAGAATGGCTGACAAATTTTGGGGGTAAGAAAGTATGTTACATG[T>C]CCTTAGAGAGAGAGAAAGAATTGATTTATGAAATAGTACTTTTAAATTTTTCTTCAGATT-3'

ClinVar aggregate classification (germline): Benign. Review status: criteria provided, multiple submitters, no conflicts (2 of 4 stars). 2 submissions from 2 submitters: Benign (2). Last evaluated 2018-06-14.

Allele frequency attached by ClinVar (database versions not stated): gnomAD 0.54045 and 0.54442; TOPMed 0.55646; 1000 Genomes Project 30x 0.57355; 1000 Genomes Project 0.57528.
gnomAD v4.1: 82,711 of 152,048 alleles (54%); highest among the groups gnomAD compares: East Asian, 62%; 22,684 homozygotes.

Submissions (2):

GeneDx
Classification: Benign. Last evaluated: 2018-06-14. Review status: criteria provided, single submitter. Criteria: GeneDx Variant Classification (06012015). Collection method: clinical testing. Allele origin: germline. Affected: yes.
Comment: This variant is considered likely benign or benign based on one or more of the following criteria: it is a conservative change, it occurs at a poorly conserved position in the protein, it is predicted to be benign by multiple in silico algorithms, and/or has population frequency not consistent with disease.

Breakthrough Genomics
Classification: Benign. Review status: criteria provided, single submitter. Criteria: ACMG Guidelines, 2015. Collection method: not provided. Allele origin: germline. Inheritance: Autosomal recessive inheritance. Affected: yes.